The following is an entry in ClinVar:

NM_001396956.1(GOLGA6L22):c.2113G>A (p.Gly705Arg)

Gene: GOLGA6L22 (golgin A6 family like 22; plus strand). Cytogenetic location: 15q11.2.
Variant type: single nucleotide variant.
Coding change: c.2113G>A on transcript NM_001396956.1 (MANE Select); coding-DNA position 2113, G replaced by A.
Protein change: p.Gly705Arg; replaces glycine 705 with arginine.
Molecular consequence: missense variant.
Genome position (GRCh38, 1-based): chr15:22,466,373, G>A. VCF-style: chr15-22466373-G-A. GRCh37 (hg19) VCF-style: chr15-23406723-C-T.
Other names: c.2110G>A, p.Gly704Arg (NM_001396957.1); short protein forms G704R, G705R.
Identifiers: ClinVar variation 2644961 (VCV002644961.23), dbSNP rs779978771, ClinGen allele CA7427336.

ClinVar aggregate classification (germline): Likely benign (1 of 4 stars; one submission).

Submission:

CeGaT Center for Human Genetics Tuebingen
Classification: Likely benign. Last evaluated: 2023-09-01. Review status: criteria provided, single submitter. Criteria: CeGaT Center For Human Genetics Tuebingen Variant Classification Criteria Version 2. Collection method: clinical testing. Allele origin: germline. Affected: yes. Observed: 1 variant allele.
Comment: RP11-467N20.5: PP2, BS2